The following is an entry in ClinVar:

NM_001205293.3(CACNA1E):c.661C>G (p.Leu221Val)

Gene: CACNA1E (calcium voltage-gated channel subunit alpha1 E; plus strand). Cytogenetic location: 1q25.3.
Variant type: single nucleotide variant.
Coding change: c.661C>G on transcript NM_001205293.3 (MANE Select); coding-DNA position 661, C replaced by G.
Protein change: p.Leu221Val; replaces leucine 221 with valine.
Molecular consequence: missense variant.
Genome position (GRCh38, 1-based): chr1:181,579,116, C>G. VCF-style: chr1-181579116-C-G. GRCh37 (hg19) VCF-style: chr1-181548252-C-G.
Other names: c.661C>G, p.Leu221Val (NM_000721.4, NM_001205294.2); short protein forms L221V.
Identifiers: ClinVar variation 452778 (VCV000452778.4), dbSNP rs1553286278, ClinGen allele CA343847010.
Genomic context (GRCh38, chr1:181,579,116, plus strand): 5'-CTGTCCTTCCTTCTAGGCCTGCAGATTGTGTTGAAGTCCATCATGAAGGCCATGGTACCT[C>G]TTCTGCAGATTGGCCTTCTGCTCTTCTTTGCCATCCTGATGTTTGCTATCATTGGTTTGG-3'
Protein context (NP_001192222.1, residues 211-231): LKSIMKAMVP[Leu221Val]LQIGLLLFFA

ClinVar aggregate classification (germline): Likely pathogenic (1 of 4 stars; one submission).

Submission:

GeneDx
Classification: Likely pathogenic. Last evaluated: 2019-12-03. Review status: criteria provided, single submitter. Criteria: GeneDx Variant Classification Process June 2021. Collection method: clinical testing. Allele origin: germline. Affected: yes.
Comment: Not observed in large population cohorts (Lek et al., 2016); In silico analysis, which includes protein predictors and evolutionary conservation, supports a deleterious effect; Has not been previously published as pathogenic or benign to our knowledge